The following is an entry in ClinVar:

NM_152419.3(HGSNAT):c.701C>G (p.Ser234Cys)

Gene: HGSNAT (heparan-alpha-glucosaminide N-acetyltransferase; plus strand). Cytogenetic location: 8p11.21.
Variant type: single nucleotide variant.
Coding change: c.701C>G on transcript NM_152419.3 (MANE Select); coding-DNA position 701, C replaced by G.
Protein change: p.Ser234Cys; replaces serine 234 with cysteine.
Molecular consequence: missense variant. On other transcripts: 5 prime UTR variant (1).
Genome position (GRCh38, 1-based): chr8:43,170,652, C>G. VCF-style: chr8-43170652-C-G. GRCh37 (hg19) VCF-style: chr8-43025795-C-G.
Other names: c.701C>G, p.Ser234Cys (NM_001363227.2, NM_001363228.2); c.-133C>G (NM_001363229.2); short protein forms S234C.
Identifiers: ClinVar variation 644210 (VCV000644210.4), dbSNP rs1586725294, ClinGen allele CA371116196.
Genomic context (GRCh38, chr8:43,170,652, plus strand): 5'-GATCTCCCAGCAGGACAGACCCTCTCGATGGTGATGTTCAGCCAGCAACGTGGCGTCTAT[C>G]TGCCCTGCCGCCCCGCCTCCGCAGCGTGGACACCTTCAGGGGGTATGTGGGCCTCCCTGT-3'
Protein context (NP_689632.2, residues 224-244): GDVQPATWRL[Ser234Cys]ALPPRLRSVD

ClinVar aggregate classification (germline): Uncertain significance. Review status: criteria provided, multiple submitters, no conflicts (2 of 4 stars). 2 submissions from 2 submitters: Uncertain significance (2). Last evaluated 2025-08-08.

Conditions:
Inborn genetic diseases. Identifiers: MedGen C0950123, MeSH D030342.
Mucopolysaccharidosis, MPS-III-C (MPS3C). Also called: MPS IIIC (Sanfilippo Syndrome Type C); MPS III C; MUCOPOLYSACCHARIDOSIS, TYPE IIIC; SANFILIPPO SYNDROME C; Mucopolysaccharidosis type IIIC (Sanfilippo C); mucopolysaccharidosis type 3C. Identifiers: Orphanet 581, Orphanet 79271, MedGen C0086649, MONDO:0009657, OMIM 252930.
Retinitis pigmentosa 73 (RP73). Identifiers: Orphanet 791, MedGen C4225287, MONDO:0014687, OMIM 616544.

Allele frequency attached by ClinVar (database versions not stated): TOPMed below 0.00001.

Submissions (2):

Ambry Genetics
Classification: Uncertain significance for Inborn genetic diseases. Last evaluated: 2025-08-08. Review status: criteria provided, single submitter. Criteria: Ambry Variant Classification Scheme 2023. Collection method: clinical testing. Allele origin: germline.

Labcorp Genetics (formerly Invitae), Labcorp
Classification: Uncertain significance for Retinitis pigmentosa 73; Mucopolysaccharidosis, MPS-III-C. Last evaluated: 2021-08-31. Review status: criteria provided, single submitter. Criteria: Invitae Variant Classification Sherloc (09022015). Collection method: clinical testing. Allele origin: germline.
Comment: This sequence change replaces serine with cysteine at codon 234 of the HGSNAT protein (p.Ser234Cys). The serine residue is weakly conserved and there is a moderate physicochemical difference between serine and cysteine. This variant is not present in population databases (ExAC no frequency). This variant has not been reported in the literature in individuals affected with HGSNAT-related conditions. Algorithms developed to predict the effect of missense changes on protein structure and function are either unavailable or do not agree on the potential impact of this missense change (SIFT: "Deleterious"; PolyPhen-2: "Possibly Damaging"; Align-GVGD: "Class C0"). In summary, the available evidence is currently insufficient to determine the role of this variant in disease. Therefore, it has been classified as a Variant of Uncertain Significance.